The following is an entry in ClinVar:

ClinVar aggregate classification (germline): Uncertain significance (1 of 4 stars; one submission).

Conditions:
Tuberous sclerosis 1 (TSC1). Identifiers: Orphanet 805, MedGen C1854465, MONDO:0008612, OMIM 191100.

Submission:

Labcorp Genetics (formerly Invitae), Labcorp
Classification: Uncertain significance for Tuberous sclerosis 1. Last evaluated: 2024-02-16. Review status: criteria provided, single submitter. Criteria: Invitae Variant Classification Sherloc (09022015). Collection method: clinical testing. Allele origin: germline.
Comment: This sequence change replaces arginine, which is basic and polar, with glycine, which is neutral and non-polar, at codon 420 of the TSC1 protein (p.Arg420Gly). This variant is not present in population databases (gnomAD no frequency). This variant has not been reported in the literature in individuals affected with TSC1-related conditions. ClinVar contains an entry for this variant (Variation ID: 466014). Advanced modeling of protein sequence and biophysical properties (such as structural, functional, and spatial information, amino acid conservation, physicochemical variation, residue mobility, and thermodynamic stability) performed at Invitae indicates that this missense variant is not expected to disrupt TSC1 protein function with a negative predictive value of 95%. In summary, the available evidence is currently insufficient to determine the role of this variant in disease. Therefore, it has been classified as a Variant of Uncertain Significance.

NM_000368.5(TSC1):c.1258A>G (p.Arg420Gly)

Gene: TSC1 (TSC complex subunit 1; minus strand). Cytogenetic location: 9q34.13.
Variant type: single nucleotide variant.
Coding change: c.1258A>G on transcript NM_000368.5 (MANE Select); coding-DNA position 1258, A replaced by G.
Protein change: p.Arg420Gly; replaces arginine 420 with glycine.
Molecular consequence: missense variant.
Genome position (GRCh38, 1-based): chr9:132,910,576, T>C on the plus strand (A>G on the coding strand, the complement: TSC1 is on the minus strand). VCF-style: chr9-132910576-T-C. GRCh37 (hg19) VCF-style: chr9-135785963-T-C.
Other names: c.1255A>G, p.Arg419Gly (NM_001162426.2); c.1105A>G, p.Arg369Gly (NM_001162427.2); c.895A>G, p.Arg299Gly (NM_001362177.2); short protein forms R420G, R419G, R299G, R369G.
Identifiers: ClinVar variation 466014 (VCV000466014.8), dbSNP rs1554817078, ClinGen allele CA375366731.